The following is an entry in ClinVar:

ClinVar aggregate classification (germline): Benign/Likely benign. Review status: criteria provided, multiple submitters, no conflicts (2 of 4 stars). 4 submissions from 4 submitters: Benign (1); Likely benign (3). Last evaluated 2026-06-17.

Conditions:
Polyps, multiple and recurrent inflammatory fibroid, gastrointestinal. Identifiers: MedGen C5193005, MONDO:0008285, OMIM 175510.
Hereditary cancer-predisposing syndrome. Also called: Tumor predisposition; Hereditary neoplastic syndrome; Hereditary Cancer Syndrome; Neoplastic Syndromes, Hereditary. Identifiers: Orphanet 140162, MedGen C0027672, MeSH D009386, MONDO:0015356.
Gastrointestinal stromal tumor. Also called: Gastrointestinal stromal tumor, somatic; Gastrointestinal stroma tumor. Identifiers: Orphanet 44890, MedGen C0238198, MeSH D046152, MONDO:0011719, OMIM 606764, HP:0100723.

Allele frequency attached by ClinVar (database versions not stated): gnomAD 0.00001 and 0.00002; TOPMed 0.00001; ESP Exome Variant Server 0.00008; gnomAD exomes 0.00008; ExAC 0.00009; 1000 Genomes Project 30x 0.00016; 1000 Genomes Project 0.00020.
gnomAD v4.1: 83 of 1,614,100 alleles (0.0051%); highest among the groups gnomAD compares: South Asian, 0.035%; 1 homozygote.

Submissions (4):

Myriad Genetics, Inc.
Classification: Benign for Polyps, multiple and recurrent inflammatory fibroid, gastrointestinal. Last evaluated: 2026-06-17. Review status: criteria provided, single submitter. Criteria: Myriad Autosomal Dominant, Autosomal Recessive and X-Linked Classification Criteria (2023). Collection method: clinical testing. Allele origin: unknown.
Comment: This variant is considered benign. This variant is a silent/synonymous amino acid change and it is not expected to impact splicing.

CeGaT Center for Human Genetics Tuebingen
Classification: Likely benign. Last evaluated: 2026-05-01. Review status: criteria provided, single submitter. Criteria: CeGaT Center For Human Genetics Tuebingen Variant Classification Criteria Version 2. Collection method: clinical testing. Allele origin: germline. Affected: yes. Observed: 1 variant allele.
Comment: PDGFRA: BP4, BP7

Labcorp Genetics (formerly Invitae), Labcorp
Classification: Likely benign for Gastrointestinal stromal tumor. Last evaluated: 2026-01-08. Review status: criteria provided, single submitter. Criteria: Invitae Variant Classification Sherloc (09022015). Collection method: clinical testing. Allele origin: germline.

Ambry Genetics
Classification: Likely benign for Hereditary cancer-predisposing syndrome. Last evaluated: 2018-11-27. Review status: criteria provided, single submitter. Criteria: Ambry Variant Classification Scheme 2023. Collection method: clinical testing. Allele origin: germline.

NM_006206.6(PDGFRA):c.1659G>A (p.Pro553=)

Gene: PDGFRA (platelet derived growth factor receptor alpha; plus strand). Cytogenetic location: 4q12.
Variant type: single nucleotide variant.
Coding change: c.1659G>A on transcript NM_006206.6 (MANE Select); coding-DNA position 1659, G replaced by A.
Protein change: p.Pro553=; no amino-acid change (proline 553 retained).
Molecular consequence: synonymous variant.
Genome position (GRCh38, 1-based): chr4:54,274,846, G>A. VCF-style: chr4-54274846-G-A. GRCh37 (hg19) VCF-style: chr4-55141013-G-A.
Other names: c.1659G>A, p.Pro553= (NM_001347827.2, NM_001347829.2); c.1734G>A, p.Pro578= (NM_001347828.2); c.1698G>A, p.Pro566= (NM_001347830.2).
Identifiers: ClinVar variation 414489 (VCV000414489.18), dbSNP rs150426218, ClinGen allele CA2922656.